The following is an entry in ClinVar:

ClinVar aggregate classification (germline): Uncertain significance. Review status: criteria provided, multiple submitters, no conflicts (2 of 4 stars). 2 submissions from 2 submitters: Uncertain significance (2). Last evaluated 2024-04-22.

Conditions:
Autosomal dominant hypocalcemia 1 (HYPOC1). Also called: HYPOCALCEMIA, FAMILIAL. Identifiers: MedGen C3715128, MONDO:0011013, OMIM 601198.
Familial hypocalciuric hypercalcemia (FHH). Also called: Familial benign hypercalcemia. Identifiers: Orphanet 405, MedGen C1809471, MONDO:0018458.
Nephrolithiasis/nephrocalcinosis. Identifiers: MedGen CN580796.

Allele frequency attached by ClinVar (database versions not stated): gnomAD exomes below 0.00001.
gnomAD v4.1: 2 of 1,614,222 alleles (0.00012%); highest among the groups gnomAD compares: Non-Finnish European, 0.00017%; no homozygotes.

Submissions (2):

Labcorp Genetics (formerly Invitae), Labcorp
Classification: Uncertain significance for Familial hypocalciuric hypercalcemia; Autosomal dominant hypocalcemia 1. Last evaluated: 2024-04-22. Review status: criteria provided, single submitter. Criteria: Invitae Variant Classification Sherloc (09022015). Collection method: clinical testing. Allele origin: germline.
Comment: This sequence change replaces serine, which is neutral and polar, with asparagine, which is neutral and polar, at codon 1065 of the CASR protein (p.Ser1065Asn). This variant is not present in population databases (gnomAD no frequency). This variant has not been reported in the literature in individuals affected with CASR-related conditions. ClinVar contains an entry for this variant (Variation ID: 646863). An algorithm developed to predict the effect of missense changes on protein structure and function (PolyPhen-2) suggests that this variant is likely to be tolerated. In summary, the available evidence is currently insufficient to determine the role of this variant in disease. Therefore, it has been classified as a Variant of Uncertain Significance.

Ambry Genetics
Classification: Uncertain significance for Nephrolithiasis/nephrocalcinosis. Last evaluated: 2023-12-14. Review status: criteria provided, single submitter. Criteria: Ambry Variant Classification Scheme 2023. Collection method: clinical testing. Allele origin: germline.
Comment: The p.S1065N variant (also known as c.3194G>A), located in coding exon 6 of the CASR gene, results from a G to A substitution at nucleotide position 3194. The serine at codon 1065 is replaced by asparagine, an amino acid with highly similar properties. This amino acid position is conserved. In addition, this alteration is predicted to be tolerated by in silico analysis. Since supporting evidence is limited at this time, the clinical significance of this alteration remains unclear.

NM_000388.4(CASR):c.3194G>A (p.Ser1065Asn)

Gene: CASR (calcium sensing receptor; plus strand). Cytogenetic location: 3q21.1.
Variant type: single nucleotide variant.
Coding change: c.3194G>A on transcript NM_000388.4 (MANE Select); coding-DNA position 3194, G replaced by A.
Protein change: p.Ser1065Asn; replaces serine 1065 with asparagine.
Molecular consequence: missense variant.
Genome position (GRCh38, 1-based): chr3:122,285,148, G>A. VCF-style: chr3-122285148-G-A. GRCh37 (hg19) VCF-style: chr3-122003995-G-A.
Other names: c.3224G>A, p.Ser1075Asn (NM_001178065.2); short protein forms S1065N, S1075N.
Identifiers: ClinVar variation 646863 (VCV000646863.9), dbSNP rs999978032, ClinGen allele CA82749637.